The following is an entry in ClinVar:

NM_001378454.1(ALMS1):c.9674G>A (p.Arg3225His)

Gene: ALMS1 (ALMS1 centrosome and basal body associated protein; plus strand). Cytogenetic location: 2p13.1.
Variant type: single nucleotide variant.
Coding change: c.9674G>A on transcript NM_001378454.1 (MANE Select); coding-DNA position 9674, G replaced by A.
Protein change: p.Arg3225His; replaces arginine 3225 with histidine.
Molecular consequence: missense variant.
Genome position (GRCh38, 1-based): chr2:73,519,909, G>A. VCF-style: chr2-73519909-G-A. GRCh37 (hg19) VCF-style: chr2-73747036-G-A.
Other names: c.9677G>A, p.Arg3226His (NM_015120.4); short protein forms R3226H, R3225H.
Identifiers: ClinVar variation 550488 (VCV000550488.6), dbSNP rs765685958, ClinGen allele CA1714733.

ClinVar aggregate classification (germline): Uncertain significance. Review status: criteria provided, multiple submitters, no conflicts (2 of 4 stars). 3 submissions from 3 submitters: Uncertain significance (2). 1 of the submissions does not count toward it. Last evaluated 2025-07-31.

Conditions:
Alstrom syndrome (ALMS). Identifiers: Orphanet 64, MedGen C0268425, MONDO:0008763, OMIM 203800.

Allele frequency attached by ClinVar (database versions not stated): gnomAD 0.00001; TOPMed 0.00003.
gnomAD v4.1: 8 of 1,614,090 alleles (0.0005%); highest among the groups gnomAD compares: Middle Eastern, 0.016%; no homozygotes.

Submissions (3):

Labcorp Genetics (formerly Invitae), Labcorp
Classification: Uncertain significance for Alstrom syndrome. Last evaluated: 2025-07-31. Review status: criteria provided, single submitter. Criteria: Invitae Variant Classification Sherloc (09022015). Collection method: clinical testing. Allele origin: germline.
Comment: This sequence change replaces arginine with histidine at codon 3226 of the ALMS1 protein (p.Arg3226His). The arginine residue is moderately conserved and there is a small physicochemical difference between arginine and histidine. This variant is present in population databases (rs765685958, gnomAD 0.002%). This variant has not been reported in the literature in individuals affected with ALMS1-related conditions. ClinVar contains an entry for this variant (Variation ID: 550488). An algorithm developed to predict the effect of missense changes on protein structure and function outputs the following: PolyPhen-2: "Not Available". The histidine amino acid residue is found in multiple mammalian species, which suggests that this missense change does not adversely affect protein function. In summary, the available evidence is currently insufficient to determine the role of this variant in disease. Therefore, it has been classified as a Variant of Uncertain Significance.

GeneDx
Classification: Uncertain significance. Last evaluated: 2022-05-27. Review status: criteria provided, single submitter. Criteria: GeneDx Variant Classification Process June 2021. Collection method: clinical testing. Allele origin: germline. Affected: yes.
Comment: Not observed at significant frequency in large population cohorts (gnomAD); In silico analysis supports that this missense variant does not alter protein structure/function; Has not been previously published as pathogenic or benign to our knowledge

Counsyl
Classification: Uncertain significance for Alstrom syndrome. Last evaluated: 2017-01-30. Review status: no assertion criteria provided. Collection method: clinical testing. Allele origin: unknown. Not counted in ClinVar's aggregate classification.